The following is an entry in ClinVar:

NM_001377.3(DYNC2H1):c.2150G>A (p.Arg717His)

Gene: DYNC2H1 (dynein cytoplasmic 2 heavy chain 1; plus strand). Cytogenetic location: 11q22.3.
Variant type: single nucleotide variant.
Coding change: c.2150G>A on transcript NM_001377.3 (MANE Select); coding-DNA position 2150, G replaced by A.
Protein change: p.Arg717His; replaces arginine 717 with histidine.
Molecular consequence: missense variant.
Genome position (GRCh38, 1-based): chr11:103,134,364, G>A. VCF-style: chr11-103134364-G-A. GRCh37 (hg19) VCF-style: chr11-103005093-G-A.
Other names: c.2150G>A (NM_001080463.1); c.2150G>A, p.Arg717His (NM_001080463.2); short protein forms R717H.
Identifiers: ClinVar variation 2736045 (VCV002736045.2), dbSNP rs747945281, ClinGen allele CA6252966.

ClinVar aggregate classification (germline): Uncertain significance. Review status: criteria provided, multiple submitters, no conflicts (2 of 4 stars). 2 submissions from 2 submitters: Uncertain significance (2). Last evaluated 2026-03-09.

Conditions:
DYNC2H1-related disorder. Also called: DYNC2H1-related disorders; DYNC2H1-related condition. Identifiers: MedGen CN378770.
Jeune thoracic dystrophy. Also called: Jeune syndrome; Infantile thoracic dystrophy; Thoracic pelvic phalangeal dystrophy; Jeune's syndrome; Chondroectodermal dysplasia-like syndrome; Short-rib thoracic dysplasia. Identifiers: Orphanet 474, MedGen C0265275, MONDO:0018770.

Allele frequency attached by ClinVar (database versions not stated): ExAC 0.00002; TOPMed 0.00002; gnomAD 0.00003.
gnomAD v4.1: 14 of 1,612,122 alleles (0.00087%); highest among the groups gnomAD compares: African/African-American, 0.0027%; no homozygotes.

Submissions (2):

PreventionGenetics, part of Exact Sciences
Classification: Uncertain significance for DYNC2H1-related condition. Last evaluated: 2026-03-09. Review status: criteria provided, single submitter. Criteria: ACMG Guidelines, 2015. Collection method: clinical testing. Allele origin: germline.
Comment: The DYNC2H1 c.2150G>A variant is predicted to result in the amino acid substitution p.Arg717His. To our knowledge, this variant has not been reported in the literature. This variant is reported in 0.019% of alleles in individuals of Ashkenazi Jewish descent in gnomAD. At this time, the clinical significance of this variant is uncertain due to the absence of conclusive functional and genetic evidence.

Labcorp Genetics (formerly Invitae), Labcorp
Classification: Uncertain significance for Jeune thoracic dystrophy. Last evaluated: 2023-12-27. Review status: criteria provided, single submitter. Criteria: Invitae Variant Classification Sherloc (09022015). Collection method: clinical testing. Allele origin: germline.
Comment: This sequence change replaces arginine, which is basic and polar, with histidine, which is basic and polar, at codon 717 of the DYNC2H1 protein (p.Arg717His). This variant is present in population databases (rs747945281, gnomAD 0.02%). This variant has not been reported in the literature in individuals affected with DYNC2H1-related conditions. Advanced modeling of protein sequence and biophysical properties (such as structural, functional, and spatial information, amino acid conservation, physicochemical variation, residue mobility, and thermodynamic stability) has been performed at Invitae for this missense variant, however the output from this modeling did not meet the statistical confidence thresholds required to predict the impact of this variant on DYNC2H1 protein function. In summary, the available evidence is currently insufficient to determine the role of this variant in disease. Therefore, it has been classified as a Variant of Uncertain Significance.